The following is an entry in ClinVar:

ClinVar aggregate classification (germline): Conflicting classifications of pathogenicity. Review status: criteria provided, conflicting classifications (1 of 4 stars). 3 submissions from 3 submitters: Uncertain significance (2); Likely benign (1). Last evaluated 2025-10-18.

Conditions:
Renal cell carcinoma. Identifiers: Orphanet 217071, MedGen C0007134, MeSH D002292, MONDO:0005086, HP:0005584.
Hereditary cancer-predisposing syndrome. Also called: Neoplastic Syndromes, Hereditary; Tumor predisposition; Hereditary Cancer Syndrome; Hereditary neoplastic syndrome. Identifiers: Orphanet 140162, MedGen C0027672, MeSH D009386, MONDO:0015356.

Allele frequency attached by ClinVar (database versions not stated): TOPMed below 0.00001; gnomAD 0.00001.
gnomAD v4.1: 6 of 1,613,966 alleles (0.00037%); highest among the groups gnomAD compares: Non-Finnish European, 0.00051%; no homozygotes.

Submissions (3):

Labcorp Genetics (formerly Invitae), Labcorp
Classification: Uncertain significance for Renal cell carcinoma. Last evaluated: 2025-10-18. Review status: criteria provided, single submitter. Criteria: Invitae Variant Classification Sherloc (09022015). Collection method: clinical testing. Allele origin: germline.
Comment: This sequence change replaces isoleucine, which is neutral and non-polar, with threonine, which is neutral and polar, at codon 852 of the MET protein (p.Ile852Thr). This variant is not present in population databases (gnomAD no frequency). This variant has not been reported in the literature in individuals affected with MET-related conditions. ClinVar contains an entry for this variant (Variation ID: 821483). An algorithm developed to predict the effect of missense changes on protein structure and function outputs the following: PolyPhen-2: "Benign". The threonine amino acid residue is found in multiple mammalian species, which suggests that this missense change does not adversely affect protein function. In summary, the available evidence is currently insufficient to determine the role of this variant in disease. Therefore, it has been classified as a Variant of Uncertain Significance.

Ambry Genetics
Classification: Likely benign for Hereditary cancer-predisposing syndrome. Last evaluated: 2024-12-04. Review status: criteria provided, single submitter. Criteria: Ambry Variant Classification Scheme 2023. Collection method: clinical testing. Allele origin: germline.

GeneDx
Classification: Uncertain significance. Last evaluated: 2023-11-28. Review status: criteria provided, single submitter. Criteria: GeneDx Variant Classification Process June 2021. Collection method: clinical testing. Allele origin: germline. Affected: yes.
Comment: Not observed at significant frequency in large population cohorts (gnomAD); In silico analysis supports that this missense variant does not alter protein structure/function; Has not been previously published as pathogenic or benign to our knowledge

NM_000245.4(MET):c.2501T>C (p.Ile834Thr)

Gene: MET (MET proto-oncogene, receptor tyrosine kinase; plus strand). Cytogenetic location: 7q31.2.
Variant type: single nucleotide variant.
Coding change: c.2501T>C on transcript NM_000245.4 (MANE Select); coding-DNA position 2501, T replaced by C.
Protein change: p.Ile834Thr; replaces isoleucine 834 with threonine.
Molecular consequence: missense variant.
Genome position (GRCh38, 1-based): chr7:116,763,186, T>C. VCF-style: chr7-116763186-T-C. GRCh37 (hg19) VCF-style: chr7-116403240-T-C.
Other names: c.2555T>C, p.Ile852Thr (NM_001127500.3); c.2501T>C, p.Ile834Thr (NM_001324401.3); c.1211T>C, p.Ile404Thr (NM_001324402.2); short protein forms I852T, I404T, I834T.
Identifiers: ClinVar variation 821483 (VCV000821483.15), dbSNP rs1215872095, ClinGen allele CA368983441.